The following is an entry in ClinVar:

ClinVar aggregate classification (germline): Uncertain significance (1 of 4 stars; one submission).

Conditions:
Age related macular degeneration 4. Identifiers: MedGen C1853147, MONDO:0012540, OMIM 610698.
Atypical hemolytic-uremic syndrome. Identifiers: Orphanet 2134, MedGen C2931788, MONDO:0016244.
Basal laminar drusen. Also called: DRUSEN OF BRUCH MEMBRANE; DRUSEN, CUTICULAR; DRUSEN, EARLY ADULT-ONSET, GROUPED. Identifiers: Orphanet 75376, MedGen C0730295, MONDO:0007472, OMIM 126700.
Factor H deficiency (CFHD). Also called: COMPLEMENT FACTOR H DEFICIENCY; CFH DEFICIENCY. Identifiers: Orphanet 200421, MedGen C0398777, MONDO:0012350, OMIM 609814.

gnomAD v4.1: 3 of 1,611,460 alleles (0.00019%); highest among the groups gnomAD compares: South Asian, 0.0033%; no homozygotes.

Submission:

Genomenon, Inc
Classification: Uncertain significance for Age related macular degeneration 4; Atypical hemolytic-uremic syndrome; Factor H deficiency; Basal laminar drusen. Last evaluated: 2026-09-17. Review status: criteria provided, single submitter. Criteria: Genomenon Sequence Variant Interpretation Standards - Updated. Collection method: curation. Allele origin: germline. Affected: no.
Comment: CFH p.Ala14Val (c.41C>T) is a missense variant that changes the amino acid at codon 14 from alanine to valine. This variant has been reported in the published literature (PMID: 32078439). It is absent or not present at a significant frequency in gnomAD. In silico models predict that this variant is not damaging. In conclusion, we classify CFH p.Ala14Val (c.41C>T) as a variant of uncertain significance.

Literature cited by the submitters: PubMed 32078439.

NM_000186.4(CFH):c.41C>T (p.Ala14Val)

Gene: CFH (complement factor H; plus strand). Cytogenetic location: 1q31.3.
Variant type: single nucleotide variant.
Coding change: c.41C>T on transcript NM_000186.4 (MANE Select); coding-DNA position 41, C replaced by T.
Protein change: p.Ala14Val; replaces alanine 14 with valine.
Molecular consequence: missense variant.
Genome position (GRCh38, 1-based): chr1:196,652,158, C>T. VCF-style: chr1-196652158-C-T. GRCh37 (hg19) VCF-style: chr1-196621288-C-T.
Other names: c.41C>T, p.Ala14Val (NM_001014975.3); short protein forms A14V.
Identifiers: ClinVar variation 4976843 (VCV004976843.1).